The following is an entry in ClinVar:

ClinVar aggregate classification (germline): Uncertain significance (1 of 4 stars; one submission).

Conditions:
Bardet-Biedl syndrome 3 (BBS3). Identifiers: Orphanet 110, MedGen C1859564, MONDO:0010832, OMIM 600151.
Retinitis pigmentosa 55 (RP55). Identifiers: Orphanet 791, MedGen C3150808, MONDO:0013312, OMIM 613575.

Allele frequency attached by ClinVar (database versions not stated): gnomAD exomes below 0.00001 and 0.00001; ExAC 0.00001; gnomAD 0.00002; TOPMed 0.00002.
gnomAD v4.1: 5 of 1,613,168 alleles (0.00031%); highest among the groups gnomAD compares: Admixed American, 0.0017%; no homozygotes.

Submission:

Labcorp Genetics (formerly Invitae), Labcorp
Classification: Uncertain significance for Retinitis pigmentosa 55; Bardet-Biedl syndrome 3. Last evaluated: 2021-09-01. Review status: criteria provided, single submitter. Criteria: Invitae Variant Classification Sherloc (09022015). Collection method: clinical testing. Allele origin: germline.
Comment: This sequence change replaces lysine with arginine at codon 153 of the ARL6 protein (p.Lys153Arg). The lysine residue is moderately conserved and there is a small physicochemical difference between lysine and arginine. This variant is present in population databases (rs771963434, ExAC 0.01%). This variant has not been reported in the literature in individuals affected with ARL6-related conditions. Algorithms developed to predict the effect of missense changes on protein structure and function (SIFT, PolyPhen-2, Align-GVGD) all suggest that this variant is likely to be tolerated. In summary, the available evidence is currently insufficient to determine the role of this variant in disease. Therefore, it has been classified as a Variant of Uncertain Significance.

NM_001278293.3(ARL6):c.458A>G (p.Lys153Arg)

Gene: ARL6 (ARF like GTPase 6; plus strand). Cytogenetic location: 3q11.2.
Variant type: single nucleotide variant.
Coding change: c.458A>G on transcript NM_001278293.3 (MANE Select); coding-DNA position 458, A replaced by G.
Protein change: p.Lys153Arg; replaces lysine 153 with arginine.
Molecular consequence: missense variant. On other transcripts: non-coding transcript variant (7).
Genome position (GRCh38, 1-based): chr3:97,788,098, A>G. VCF-style: chr3-97788098-A-G. GRCh37 (hg19) VCF-style: chr3-97506942-A-G.
Other names: c.458A>G, p.Lys153Arg (NM_001323513.2, NM_001323514.2, NM_032146.5 and 1 more transcripts); short protein forms K153R.
Identifiers: ClinVar variation 1058486 (VCV001058486.2), dbSNP rs771963434, ClinGen allele CA2505959.